The following is an entry in ClinVar:

NM_024312.5(GNPTAB):c.2727_2732del (p.Leu910_Lys911del)

Gene: GNPTAB (N-acetylglucosamine-1-phosphate transferase subunits alpha and beta; minus strand). Cytogenetic location: 12q23.2.
Variant type: Deletion.
Coding change: c.2727_2732del on transcript NM_024312.5 (MANE Select); coding-DNA positions 2727 to 2732, 6 bases deleted (ATTGAA; older notation c.2727_2732delATTGAA).
Protein change: p.Leu910_Lys911del.
Molecular consequence: inframe deletion.
Genome position (GRCh38, 1-based): chr12:101,761,747-101,761,752, TTCAAT deleted on the plus strand (ATTGAA on the coding strand, the reverse complement: GNPTAB is on the minus strand). VCF-style (leftmost placement, unchanged base first): chr12-101761746-CTTCAAT-C. GRCh37 (hg19) VCF-style: chr12-102155524-CTTCAAT-C.
Identifiers: ClinVar variation 558573 (VCV000558573.7), dbSNP rs779351251, ClinGen allele CA6746352.

ClinVar aggregate classification (germline): Uncertain significance. Review status: criteria provided, single submitter (1 of 4 stars). 2 submissions from 2 submitters: Uncertain significance (1). 1 of the submissions does not count toward it. Last evaluated 2021-09-24.

Conditions:
Mucolipidosis type II. Also called: Mucolipidosis II Alpha/Beta; Mucolipidosis 2; ML 2; Inclusion cell disease; Leroy Disease; N-acetylglucosamine 1phosphotransferase deficiency. Identifiers: Orphanet 576, MedGen C2673377, MONDO:0009650, OMIM 252500.
Pseudo-Hurler polydystrophy. Also called: MUCOLIPIDOSIS IIIA; ML IIIA; Mucolipidosis III Alpha/Beta; Type III Mucolipidosis; ML III; ML III ALPHA/BETA. Identifiers: Orphanet 423461, Orphanet 577, MedGen C0033788, MONDO:0018931, OMIM 252600.

Allele frequency attached by ClinVar (database versions not stated): gnomAD exomes below 0.00001; TOPMed below 0.00001; ExAC 0.00001.

Submissions (2):

Labcorp Genetics (formerly Invitae), Labcorp
Classification: Uncertain significance for Pseudo-Hurler polydystrophy; Mucolipidosis type II. Last evaluated: 2021-09-24. Review status: criteria provided, single submitter. Criteria: Invitae Variant Classification Sherloc (09022015). Collection method: clinical testing. Allele origin: germline.
Comment: This variant, c.2727_2732del, results in the deletion of 2 amino acid(s) of the GNPTAB protein (p.Leu910_Lys911del), but otherwise preserves the integrity of the reading frame. This variant is present in population databases (rs779351251, ExAC 0.009%). This variant has not been reported in the literature in individuals affected with GNPTAB-related conditions. ClinVar contains an entry for this variant (Variation ID: 558573). Experimental studies and prediction algorithms are not available or were not evaluated, and the functional significance of this variant is currently unknown. In summary, the available evidence is currently insufficient to determine the role of this variant in disease. Therefore, it has been classified as a Variant of Uncertain Significance.

Counsyl
Classification: Uncertain significance for Mucolipidosis type II; Pseudo-Hurler polydystrophy. Last evaluated: 2018-05-29. Review status: no assertion criteria provided. Collection method: clinical testing. Allele origin: unknown. Not counted in ClinVar's aggregate classification.